The following is an entry in ClinVar:

ClinVar aggregate classification (germline): Likely pathogenic (1 of 4 stars; one submission).

Conditions:
Oculocutaneous albinism type 1A (OCA1A). Also called: Albinism, oculocutaneous, type IA. Identifiers: Orphanet 352731, Orphanet 79431, MedGen C4551504, MONDO:0008745, OMIM 203100. Disease mechanism: loss of function.

Submission:

Genetics and Molecular Pathology, SA Pathology
Classification: Likely pathogenic for Oculocutaneous albinism type 1A. Last evaluated: 2022-05-18. Review status: criteria provided, single submitter. Criteria: ACMG Guidelines, 2015. Collection method: clinical testing. Allele origin: germline. Affected: yes.
Comment: The TYR:c.1493del variant is classified as LIKELY PATHOGENIC (PVS1_Moderate, PM2, PM3). The TYR:c.1493del variant is a single nucleotide deletion in last exon of the gene (exon 5 of 5) predicting removal of <10% of the protein. This variant is expected to encode a frameshift of the mature mRNA with consequent termination of protein synthesis at codon 38 of the frameshift (TYR:p.(Leu498CysfsTer38)) using NP_000363. Loss of function variants in exon 5 have been reported as likely pathogenic (W475fs) or pathogenic (A486fs and A490fs) in Clinvar (PVS1_Moderate). TYR:c.1493del has not been described in the scientific literature. TYR:c.1493del (rs763648121) is absent from population databases (PM2). TYR:c.1493del is not on record in ClinVar. This variant is not on record in HGMD. Familial segregation testing has shown that this variant is in in trans with a pathogenic variant (GM-22-0001130) (PM3).

NM_000372.5(TYR):c.1493del (p.Leu498fs)

Gene: TYR (tyrosinase; plus strand). Cytogenetic location: 11q14.3.
Variant type: Deletion.
Coding change: c.1493del on transcript NM_000372.5 (MANE Select); coding-DNA position 1493, one base deleted (T; older notation c.1493delT).
Protein change: p.Leu498fs; shifts the reading frame from leucine 498.
Molecular consequence: frameshift variant.
Genome position (GRCh38, 1-based): chr11:89,295,269, T deleted; the last of 2 consecutive T bases (chr11:89,295,268-89,295,269); deleting either gives the same sequence. VCF-style (leftmost placement, unchanged base first): chr11-89295267-CT-C. GRCh37 (hg19) VCF-style: chr11-89028435-CT-C.
Other names: c.1493delT (NM_000372.5); short protein forms L498fs.
Identifiers: ClinVar variation 1698930 (VCV001698930.2), dbSNP rs763648121, ClinGen allele CA6221478.